The following is an entry in ClinVar:

ClinVar aggregate classification (germline): Uncertain significance (1 of 4 stars; one submission).

Submission:

Dasa
Classification: Uncertain significance. Last evaluated: 2025-10-29. Review status: criteria provided, single submitter. Criteria: DASA Assertion Criteria. Collection method: clinical testing. Allele origin: germline.
Comment: NM_004973.4(JARID2):c.347A>G (p.Lys116Arg) is a missense variant that results in the substitution of lysine with arginine. This variant is absent from population databases. The currently available literature and clinical evidence are not sufficient to establish a definitive association between this variant and the reported condition. Therefore, this variant is classified as a variant of uncertain significance.

NM_004973.4(JARID2):c.347A>G (p.Lys116Arg)

Gene: JARID2 (jumonji and AT-rich interaction domain containing 2; plus strand). Cytogenetic location: 6p22.3.
Variant type: single nucleotide variant.
Coding change: c.347A>G on transcript NM_004973.4 (MANE Select); coding-DNA position 347, A replaced by G.
Protein change: p.Lys116Arg; replaces lysine 116 with arginine.
Molecular consequence: missense variant. On other transcripts: 5 prime UTR variant (1).
Genome position (GRCh38, 1-based): chr6:15,452,029, A>G. VCF-style: chr6-15452029-A-G. GRCh37 (hg19) VCF-style: chr6-15452260-A-G.
Other names: c.-170A>G (NM_001267040.1); short protein forms K116R.
Identifiers: ClinVar variation 4884986 (VCV004884986.2).